The following is an entry in ClinVar:

NM_006734.4(HIVEP2):c.1865C>T (p.Ser622Phe)

Gene: HIVEP2 (HIVEP zinc finger 2; minus strand). Cytogenetic location: 6q24.2.
Variant type: single nucleotide variant.
Coding change: c.1865C>T on transcript NM_006734.4 (MANE Select); coding-DNA position 1865, C replaced by T.
Protein change: p.Ser622Phe; replaces serine 622 with phenylalanine.
Molecular consequence: missense variant.
Genome position (GRCh38, 1-based): chr6:142,772,874, G>A on the plus strand (C>T on the coding strand, the complement: HIVEP2 is on the minus strand). VCF-style: chr6-142772874-G-A. GRCh37 (hg19) VCF-style: chr6-143094011-G-A.
Other names: short protein forms S622F.
Identifiers: ClinVar variation 742905 (VCV000742905.11), dbSNP rs200073844, ClinGen allele CA4028523.

ClinVar aggregate classification (germline): Likely benign. Review status: criteria provided, multiple submitters, no conflicts (2 of 4 stars). 3 submissions from 3 submitters: Likely benign (2). 1 of the submissions does not count toward it. Last evaluated 2026-05-26.

Conditions:
HIVEP2-related disorder. Also called: HIVEP2-related condition.

Allele frequency attached by ClinVar (database versions not stated): gnomAD exomes 0.00010 and 0.00002; TOPMed 0.00043; 1000 Genomes Project 0.00020; 1000 Genomes Project 30x 0.00047; ExAC 0.00014; gnomAD 0.00031 and 0.00036; ESP Exome Variant Server 0.00064.
gnomAD v4.1: 84 of 1,614,146 alleles (0.0052%); highest among the groups gnomAD compares: African/African-American, 0.099%; no homozygotes.

Submissions (3):

Women's Health and Genetics/Laboratory Corporation of America, LabCorp
Classification: Likely benign. Last evaluated: 2026-05-26. Review status: criteria provided, single submitter. Criteria: LabCorp Variant Classification Summary - May 2015. Collection method: clinical testing. Allele origin: germline.
Comment: Variant summary: HIVEP2 c.1865C>T (p.Ser622Phe) results in a non-conservative amino acid change in the encoded protein sequence. Algorithms developed to predict the effect of missense changes on protein structure and function are either unavailable or do not agree on the potential impact of this missense change. The variant allele was found at a frequency of 0.0001 in 249534 control chromosomes, predominantly at a frequency of 0.0016 within the African or African-American subpopulation in the gnomAD database. The observed variant frequency within African or African-American control individuals in the gnomAD database exceeds the estimated maximal expected allele frequency for disease-causing variants in HIVEP2. To our knowledge, no occurrence of c.1865C>T in individuals affected with HIVEP2-related conditions and no experimental evidence demonstrating its impact on protein function have been reported. ClinVar contains an entry for this variant (Variation ID: 742905). Based on the evidence outlined above, the variant was classified as likely benign.

Labcorp Genetics (formerly Invitae), Labcorp
Classification: Likely benign. Last evaluated: 2026-01-19. Review status: criteria provided, single submitter. Criteria: Invitae Variant Classification Sherloc (09022015). Collection method: clinical testing. Allele origin: germline.

PreventionGenetics, part of Exact Sciences
Classification: Likely benign for HIVEP2-related condition. Last evaluated: 2020-07-20. Review status: no assertion criteria provided. Collection method: clinical testing. Allele origin: germline. Not counted in ClinVar's aggregate classification.
Comment: This variant is classified as likely benign based on ACMG/AMP sequence variant interpretation guidelines (Richards et al. 2015 PMID: 25741868, with internal and published modifications).